The following is an entry in ClinVar:

ClinVar aggregate classification (germline): Pathogenic (1 of 4 stars; one submission).

Conditions:
Bethlem myopathy 1A. Also called: MYOPATHY, BENIGN CONGENITAL, WITH CONTRACTURES; Bethlem myopathy 1; Bethlem Muscular Dystrophy. Identifiers: Orphanet 610, MedGen CN029274, MONDO:0024530, OMIM 158810.

Allele frequency attached by ClinVar (database versions not stated): gnomAD exomes below 0.00001.
gnomAD v4.1: 1 of 1,612,812 alleles (0.000062%); highest among the groups gnomAD compares: South Asian, 0.0011%; no homozygotes.

Submission:

Labcorp Genetics (formerly Invitae), Labcorp
Classification: Pathogenic for Bethlem myopathy 1A. Last evaluated: 2022-06-10. Review status: criteria provided, single submitter. Criteria: Invitae Variant Classification Sherloc (09022015). Collection method: clinical testing. Allele origin: germline.
Comment: Algorithms developed to predict the effect of sequence changes on RNA splicing suggest that this variant may disrupt the consensus splice site. For these reasons, this variant has been classified as Pathogenic. This variant has not been reported in the literature in individuals affected with COL6A2-related conditions. This variant is not present in population databases (gnomAD no frequency). This sequence change creates a premature translational stop signal (p.Lys333*) in the COL6A2 gene. It is expected to result in an absent or disrupted protein product. Loss-of-function variants in COL6A2 are known to be pathogenic (PMID: 19884007, 20976770).

Literature cited by the submitters: PubMed 19884007; PubMed 20976770.

NM_001849.4(COL6A2):c.997A>T (p.Lys333Ter)

Gene: COL6A2 (collagen type VI alpha 2 chain; plus strand). Cytogenetic location: 21q22.3.
Variant type: single nucleotide variant.
Coding change: c.997A>T on transcript NM_001849.4 (MANE Select); coding-DNA position 997, A replaced by T.
Protein change: p.Lys333Ter; replaces lysine 333 with a stop codon.
Molecular consequence: nonsense.
Genome position (GRCh38, 1-based): chr21:46,116,812, A>T. VCF-style: chr21-46116812-A-T. GRCh37 (hg19) VCF-style: chr21-47536726-A-T.
Other names: c.997A>T, p.Lys333Ter (NM_058174.3, NM_058175.3); short protein forms K333*.
Identifiers: ClinVar variation 2004607 (VCV002004607.4), dbSNP rs2516997223, ClinGen allele CA410527280.